The following is an entry in ClinVar:

ClinVar aggregate classification (germline): Benign. Review status: criteria provided, single submitter (1 of 4 stars). 2 submissions from 2 submitters: Benign (1). 1 of the submissions does not count toward it. Last evaluated 2018-04-04.

Conditions:
CENPT-related disorder. Also called: CENPT-related condition.

Allele frequency attached by ClinVar (database versions not stated): gnomAD exomes 0.00066 and 0.00181; ExAC 0.00221; 1000 Genomes Project 0.00599; gnomAD 0.00698 and 0.00759; TOPMed 0.00777; ESP Exome Variant Server 0.00793; 1000 Genomes Project 30x 0.00828.
gnomAD v4.1: 2,039 of 1,614,174 alleles (0.13%); highest among the groups gnomAD compares: African/African-American, 2.5%; 25 homozygotes.

Submissions (2):

Labcorp Genetics (formerly Invitae), Labcorp
Classification: Benign. Last evaluated: 2018-04-04. Review status: criteria provided, single submitter. Criteria: Invitae Variant Classification Sherloc (09022015). Collection method: clinical testing. Allele origin: germline.

PreventionGenetics, part of Exact Sciences
Classification: Benign for CENPT-related condition. Last evaluated: 2019-10-28. Review status: no assertion criteria provided. Collection method: clinical testing. Allele origin: germline. Not counted in ClinVar's aggregate classification.
Comment: This variant is classified as benign based on ACMG/AMP sequence variant interpretation guidelines (Richards et al. 2015 PMID: 25741868, with internal and published modifications).

NM_025082.4(CENPT):c.540T>C (p.Ala180=)

Gene: CENPT (centromere protein T; minus strand). Cytogenetic location: 16q22.1.
Variant type: single nucleotide variant.
Coding change: c.540T>C on transcript NM_025082.4 (MANE Select); coding-DNA position 540, T replaced by C.
Protein change: p.Ala180=; no amino-acid change (alanine 180 retained).
Molecular consequence: synonymous variant.
Genome position (GRCh38, 1-based): chr16:67,831,596, A>G on the plus strand (T>C on the coding strand, the complement: CENPT is on the minus strand). VCF-style: chr16-67831596-A-G. GRCh37 (hg19) VCF-style: chr16-67865499-A-G.
Identifiers: ClinVar variation 730062 (VCV000730062.5), dbSNP rs8056617, ClinGen allele CA8117834.
Genomic context (GRCh38, chr16:67,831,596, plus strand): 5'-CTCCACCCACTCCCAGAACAGGAAACACCCAGAGCAGCACCTGGTGAGGGAAGAGGCATC[A>G]GCATTCCCTTGAGGCTCTGTCAGCAACCGGCAAGAGAATGTAAAAGAAGAAAACCATGGT-3'
Protein context (NP_079358.3, residues 170-190): LSLSQEPQGN[Ala180=]DASSLTRSLN